The following is an entry in ClinVar:

NM_012186.3(FOXE3):c.601G>A (p.Val201Met)

Genes: FOXE3 (forkhead box E3; plus strand), LINC01389 (long independently transcribed non-coding RNA 1389; minus strand). Cytogenetic location: 1p33.
Variant type: single nucleotide variant.
Coding change: c.601G>A on transcript NM_012186.3 (MANE Select); coding-DNA position 601, G replaced by A.
Protein change: p.Val201Met; replaces valine 201 with methionine.
Molecular consequence: missense variant.
Genome position (GRCh38, 1-based): chr1:47,416,916, G>A. VCF-style: chr1-47416916-G-A. GRCh37 (hg19) VCF-style: chr1-47882588-G-A.
Other names: short protein forms V201M.
Identifiers: ClinVar variation 707004 (VCV000707004.20), dbSNP rs530072475, ClinGen allele CA843003.
Genomic context (GRCh38, chr1:47,416,916, plus strand): 5'-GGGCCGCCGCTCCCCTTCCCCTACGCGCCCTACGCGCCCGCGCCCGGCCCCGCGCTGCTG[G>A]TGCCGCCGCCTTCTGCCGGACCGGGCCCCTCGCCGCCCGCGCGTCTGTTCAGCGTCGACA-3'
Protein context (NP_036318.1, residues 191-211): YAPAPGPALL[Val201Met]PPPSAGPGPS

ClinVar aggregate classification (germline): Benign/Likely benign. Review status: criteria provided, multiple submitters, no conflicts (2 of 4 stars). 8 submissions from 8 submitters: Benign (6); Likely benign (2). Last evaluated 2026-07-09.

Conditions:
FOXE3-related disorder. Also called: FOXE3-related condition.
Familial thoracic aortic aneurysm and aortic dissection (TAAD). Also called: Thoracic aortic aneurysms and dissections. Identifiers: Orphanet 91387, MedGen C4707243, MONDO:0019625.
Anterior segment dysgenesis. Also called: Ocular anterior segment dysgenesis. Identifiers: Orphanet 88632, MedGen C1862839, MONDO:0019503, HP:0007700.
Congenital primary aphakia. Also called: Anterior segment dysgenesis 2, multiple subtypes; ANTERIOR SEGMENT DYSGENESIS 2. Identifiers: Orphanet 83461, MedGen C1853230, MONDO:0012456, OMIM 610256.
Cardiovascular phenotype. Identifiers: MedGen CN230736.

Allele frequency attached by ClinVar (database versions not stated): gnomAD exomes 0.00061 and 0.00442; 1000 Genomes Project 0.00140; ExAC 0.00230; gnomAD 0.00329 and 0.00334; 1000 Genomes Project 30x 0.00453; TOPMed 0.00470.

Submissions (8):

PreventionGenetics, part of Exact Sciences
Classification: Benign for FOXE3-related condition. Last evaluated: 2026-07-09. Review status: criteria provided, single submitter. Criteria: ACMG Guidelines, 2015. Collection method: clinical testing. Allele origin: germline.
Comment: This variant is classified as benign based on ACMG/AMP sequence variant interpretation guidelines (Richards et al. 2015 PMID: 25741868, with internal and published modifications).

Labcorp Genetics (formerly Invitae), Labcorp
Classification: Benign for Anterior segment dysgenesis; Congenital primary aphakia. Last evaluated: 2026-01-28. Review status: criteria provided, single submitter. Criteria: Invitae Variant Classification Sherloc (09022015). Collection method: clinical testing. Allele origin: germline.

ARUP Laboratories, Molecular Genetics and Genomics, ARUP Laboratories
Classification: Likely benign. Last evaluated: 2023-11-08. Review status: criteria provided, single submitter. Criteria: ARUP Molecular Germline Variant Investigation Process 2024. Collection method: clinical testing. Allele origin: germline.

Women's Health and Genetics/Laboratory Corporation of America, LabCorp
Classification: Likely benign. Last evaluated: 2023-07-21. Review status: criteria provided, single submitter. Criteria: LabCorp Variant Classification Summary - May 2015. Collection method: clinical testing. Allele origin: germline.

CHEO Genetics Diagnostic Laboratory, Children's Hospital of Eastern Ontario
Classification: Benign for Familial thoracic aortic aneurysm and aortic dissection. Last evaluated: 2023-04-20. Review status: criteria provided, single submitter. Criteria: ACMG Guidelines, 2015. Collection method: clinical testing. Allele origin: germline.

GeneDx
Classification: Benign. Last evaluated: 2020-11-30. Review status: criteria provided, single submitter. Criteria: GeneDx Variant Classification Process June 2021. Collection method: clinical testing. Allele origin: germline. Affected: yes.
Comment: This variant is associated with the following publications: (PMID: 24689660)

Ambry Genetics
Classification: Benign for Cardiovascular phenotype. Last evaluated: 2019-03-21. Review status: criteria provided, single submitter. Criteria: Ambry Variant Classification Scheme 2023. Collection method: clinical testing. Allele origin: germline.

Breakthrough Genomics
Classification: Benign. Review status: criteria provided, single submitter. Criteria: ACMG Guidelines, 2015. Collection method: not provided. Allele origin: germline. Inheritance: Autosomal recessive inheritance. Affected: yes.

Literature cited by the submitters: PubMed 24689660 (cited by Ambry Genetics).